The following is an entry in ClinVar:

ClinVar aggregate classification (germline): Conflicting classifications of pathogenicity. Review status: criteria provided, conflicting classifications (1 of 4 stars). 3 submissions from 3 submitters: Uncertain significance (2); Likely benign (1). Last evaluated 2025-07-11.

Conditions:
Hereditary breast ovarian cancer syndrome. Also called: Hereditary breast and ovarian cancer; BRCA1- and BRCA2-Associated Hereditary Breast and Ovarian Cancer; Hereditary breast and ovarian cancer syndrome (HBOC); Hereditary breast and ovarian cancer syndrome; Breast and ovarian cancer; Hereditary breast and/or ovarian cancer syndrome. Identifiers: Orphanet 145, MedGen C0677776, MeSH D061325, MONDO:0003582. Disease mechanism: loss of function.
Hereditary cancer-predisposing syndrome. Also called: Hereditary Cancer Syndrome; Hereditary neoplastic syndrome; Neoplastic Syndromes, Hereditary; Tumor predisposition. Identifiers: Orphanet 140162, MedGen C0027672, MeSH D009386, MONDO:0015356.

Submissions (3):

Ambry Genetics
Classification: Uncertain significance for Hereditary cancer-predisposing syndrome. Last evaluated: 2025-07-11. Review status: criteria provided, single submitter. Criteria: Ambry Variant Classification Scheme 2023. Collection method: clinical testing. Allele origin: germline.
Comment: The p.N1973Y variant (also known as c.5917A>T), located in coding exon 10 of the BRCA2 gene, results from an A to T substitution at nucleotide position 5917. The asparagine at codon 1973 is replaced by tyrosine, an amino acid with dissimilar properties. This amino acid position is not well conserved in available vertebrate species. In addition, the in silico prediction for this alteration is inconclusive. Based on the available evidence, the clinical significance of this variant remains unclear.

Labcorp Genetics (formerly Invitae), Labcorp
Classification: Uncertain significance for Hereditary breast ovarian cancer syndrome. Last evaluated: 2024-08-07. Review status: criteria provided, single submitter. Criteria: Invitae Variant Classification Sherloc (09022015). Collection method: clinical testing. Allele origin: germline.
Comment: This sequence change replaces asparagine, which is neutral and polar, with tyrosine, which is neutral and polar, at codon 1973 of the BRCA2 protein (p.Asn1973Tyr). This variant is not present in population databases (gnomAD no frequency). This variant has not been reported in the literature in individuals affected with BRCA2-related conditions. ClinVar contains an entry for this variant (Variation ID: 1750471). Advanced modeling of protein sequence and biophysical properties (such as structural, functional, and spatial information, amino acid conservation, physicochemical variation, residue mobility, and thermodynamic stability) performed at Invitae indicates that this missense variant is not expected to disrupt BRCA2 protein function with a negative predictive value of 95%. In summary, the available evidence is currently insufficient to determine the role of this variant in disease. Therefore, it has been classified as a Variant of Uncertain Significance.

University of Washington Department of Laboratory Medicine, University of Washington
Classification: Likely benign for Hereditary cancer-predisposing syndrome. Last evaluated: 2023-03-23. Review status: criteria provided, single submitter. Criteria: Dines et al. (Genet Med. 2020). Collection method: curation. Allele origin: germline.
Comment: Missense variant in a coldspot region where missense variants are very unlikely to be pathogenic (PMID:31911673).

BRCA2 exon 11 coldspot. Reclassification based on statistical prior probability.

NM_000059.4(BRCA2):c.5917A>T (p.Asn1973Tyr)

Gene: BRCA2 (BRCA2 DNA repair associated; plus strand). Cytogenetic location: 13q13.1.
Variant type: single nucleotide variant.
Coding change: c.5917A>T on transcript NM_000059.4 (MANE Select); coding-DNA position 5917, A replaced by T.
Protein change: p.Asn1973Tyr; replaces asparagine 1973 with tyrosine.
Molecular consequence: missense variant.
Genome position (GRCh38, 1-based): chr13:32,340,272, A>T. VCF-style: chr13-32340272-A-T. GRCh37 (hg19) VCF-style: chr13-32914409-A-T.
Other names: c.5917A>T, p.Asn1973Tyr (NM_001406719.1, NM_001406720.1); short protein forms N1973Y.
Identifiers: ClinVar variation 1750471 (VCV001750471.10), dbSNP rs1555284460, ClinGen allele CA387787525.